The following is an entry in ClinVar:

NM_000384.3(APOB):c.13306C>A (p.Leu4436Ile)

Gene: APOB (apolipoprotein B; minus strand). Cytogenetic location: 2p24.1.
Variant type: single nucleotide variant.
Coding change: c.13306C>A on transcript NM_000384.3 (MANE Select); coding-DNA position 13306, C replaced by A.
Protein change: p.Leu4436Ile; replaces leucine 4436 with isoleucine.
Molecular consequence: missense variant.
Genome position (GRCh38, 1-based): chr2:21,002,116, G>T on the plus strand (C>A on the coding strand, the complement: APOB is on the minus strand). VCF-style: chr2-21002116-G-T. GRCh37 (hg19) VCF-style: chr2-21224988-G-T.
Other names: short protein forms L4436I.
Identifiers: ClinVar variation 3774709 (VCV003774709.1).
Genomic context (GRCh38, chr2:21,002,116, plus strand): 5'-TAAGGATGCTAAGATATTCCTGAATATTTCTGTGCAGAAATTGCTCAACTTGACTTGAGA[G>T]TTGGGAAGTAAAGTTAGAGGCACTGACAATATATTCAGAATGGAAGTCCTTAAGAGCAAC-3'
Protein context (NP_000375.3, residues 4426-4446): IVSASNFTSQ[Leu4436Ile]SSQVEQFLHR

ClinVar aggregate classification (germline): Uncertain significance (1 of 4 stars; one submission).

gnomAD v4.1: 2 of 1,613,980 alleles (0.00012%); highest among the groups gnomAD compares: Non-Finnish European, 0.00017%; no homozygotes.

Submission:

GeneDx
Classification: Uncertain significance. Last evaluated: 2024-09-27. Review status: criteria provided, single submitter. Criteria: GeneDx Variant Classification Process June 2021. Collection method: clinical testing. Allele origin: germline. Affected: yes.
Comment: Not observed at significant frequency in large population cohorts (gnomAD); In silico analysis indicates that this missense variant does not alter protein structure/function; Has not been previously published as pathogenic or benign to our knowledge